The following is an entry in ClinVar:

ClinVar aggregate classification (germline): Uncertain significance (1 of 4 stars; one submission).

Submission:

GeneDx
Classification: Uncertain significance. Last evaluated: 2025-06-20. Review status: criteria provided, single submitter. Criteria: GeneDx Variant Classification Process June 2021. Collection method: clinical testing. Allele origin: germline. Affected: yes.
Comment: Not observed at significant frequency in large population cohorts (gnomAD); In silico analysis supports that this missense variant has a deleterious effect on protein structure/function; Has not been previously published as pathogenic or benign to our knowledge

NM_004667.6(HERC2):c.10960C>G (p.Pro3654Ala)

Gene: HERC2 (HECT and RLD domain containing E3 ubiquitin protein ligase 2; minus strand). Cytogenetic location: 15q13.1.
Variant type: single nucleotide variant.
Coding change: c.10960C>G on transcript NM_004667.6 (MANE Select); coding-DNA position 10960, C replaced by G.
Protein change: p.Pro3654Ala; replaces proline 3654 with alanine.
Molecular consequence: missense variant.
Genome position (GRCh38, 1-based): chr15:28,146,285, G>C on the plus strand (C>G on the coding strand, the complement: HERC2 is on the minus strand). VCF-style: chr15-28146285-G-C. GRCh37 (hg19) VCF-style: chr15-28391431-G-C.
Other names: short protein forms P3654A.
Identifiers: ClinVar variation 4538779 (VCV004538779.1).